The following is an entry in ClinVar:

ClinVar aggregate classification (germline): Uncertain significance (1 of 4 stars; one submission).

Conditions:
Autosomal recessive spinocerebellar ataxia 12. Also called: SPINOCEREBELLAR ATAXIA WITH MENTAL RETARDATION AND EPILEPSY. Identifiers: Orphanet 284282, MedGen C3280452, MONDO:0013687, OMIM 614322.
Developmental and epileptic encephalopathy, 1 (DEE1). Also called: X-linked infantile spasms; West's syndrome; Tonic spasms with clustering, arrest of psychomotor development and hypsarrhythmia on EEG; X-Linked Infantile Spasm Syndrome; INFANTILE SPASM SYNDROME, X-LINKED 1; OHTAHARA SYNDROME, X-LINKED. Identifiers: MedGen C3463992, MONDO:0010632, OMIM 308350. Disease mechanism: loss of function.

Allele frequency attached by ClinVar (database versions not stated): gnomAD exomes below 0.00001; TOPMed below 0.00001; gnomAD 0.00001.
gnomAD v4.1: 2 of 1,614,024 alleles (0.00012%); highest among the groups gnomAD compares: African/African-American, 0.0027%; no homozygotes.

Submission:

Labcorp Genetics (formerly Invitae), Labcorp
Classification: Uncertain significance for Developmental and epileptic encephalopathy, 1; Autosomal recessive spinocerebellar ataxia 12. Last evaluated: 2021-04-15. Review status: criteria provided, single submitter. Criteria: Invitae Variant Classification Sherloc (09022015). Collection method: clinical testing. Allele origin: germline.
Comment: This variant has not been reported in the literature in individuals with WWOX-related conditions. Algorithms developed to predict the effect of missense changes on protein structure and function are either unavailable or do not agree on the potential impact of this missense change (SIFT: "Not Available"; PolyPhen-2: "Possibly Damaging"; Align-GVGD: "Not Available"). In summary, the available evidence is currently insufficient to determine the role of this variant in disease. Therefore, it has been classified as a Variant of Uncertain Significance. This variant is not present in population databases (ExAC no frequency). This sequence change replaces valine with alanine at codon 316 of the WWOX protein (p.Val316Ala). The valine residue is moderately conserved and there is a small physicochemical difference between valine and alanine.

NM_016373.4(WWOX):c.947T>C (p.Val316Ala)

Gene: WWOX (WW domain containing oxidoreductase; plus strand). Cytogenetic location: 16q23.1.
Variant type: single nucleotide variant.
Coding change: c.947T>C on transcript NM_016373.4 (MANE Select); coding-DNA position 947, T replaced by C.
Protein change: p.Val316Ala; replaces valine 316 with alanine.
Molecular consequence: missense variant.
Genome position (GRCh38, 1-based): chr16:78,432,643, T>C. VCF-style: chr16-78432643-T-C. GRCh37 (hg19) VCF-style: chr16-78466540-T-C.
Other names: c.608T>C, p.Val203Ala (NM_001291997.2); short protein forms V203A, V316A.
Identifiers: ClinVar variation 1421778 (VCV001421778.6), dbSNP rs1476364680, ClinGen allele CA396843323.
Genomic context (GRCh38, chr16:78,432,643, plus strand): 5'-CCAAGCTCTGCAACATCCTCTTCTCCAACGAGCTGCACCGTCGCCTCTCCCCACGCGGGG[T>C]CACGTCGAACGCAGTGCATCCTGGAAATATGATGTACTCCAACATTCATCGCAGCTGGTG-3'
Protein context (NP_057457.1, residues 306-326): ELHRRLSPRG[Val316Ala]TSNAVHPGNM